The following is an entry in ClinVar:

ClinVar aggregate classification (germline): Uncertain significance (1 of 4 stars; one submission).

Allele frequency attached by ClinVar (database versions not stated): gnomAD exomes below 0.00001.
gnomAD v4.1: 2 of 1,613,368 alleles (0.00012%); highest among the groups gnomAD compares: Non-Finnish European, 0.00017%; no homozygotes.

Submission:

Labcorp Genetics (formerly Invitae), Labcorp
Classification: Uncertain significance. Last evaluated: 2022-08-23. Review status: criteria provided, single submitter. Criteria: Invitae Variant Classification Sherloc (09022015). Collection method: clinical testing. Allele origin: germline.
Comment: In summary, the available evidence is currently insufficient to determine the role of this variant in disease. Therefore, it has been classified as a Variant of Uncertain Significance. Algorithms developed to predict the effect of missense changes on protein structure and function are either unavailable or do not agree on the potential impact of this missense change (SIFT: "Tolerated"; PolyPhen-2: "Probably Damaging"; Align-GVGD: "Class C0"). ClinVar contains an entry for this variant (Variation ID: 1485571). This variant has not been reported in the literature in individuals affected with PACS2-related conditions. This variant is not present in population databases (gnomAD no frequency). This sequence change replaces isoleucine, which is neutral and non-polar, with threonine, which is neutral and polar, at codon 698 of the PACS2 protein (p.Ile698Thr).

NM_001100913.3(PACS2):c.2093T>C (p.Ile698Thr)

Gene: PACS2 (phosphofurin acidic cluster sorting protein 2; plus strand). Cytogenetic location: 14q32.33.
Variant type: single nucleotide variant.
Coding change: c.2093T>C on transcript NM_001100913.3 (MANE Select); coding-DNA position 2093, T replaced by C.
Protein change: p.Ile698Thr; replaces isoleucine 698 with threonine.
Molecular consequence: missense variant.
Genome position (GRCh38, 1-based): chr14:105,391,223, T>C. VCF-style: chr14-105391223-T-C. GRCh37 (hg19) VCF-style: chr14-105857560-T-C.
Other names: c.1823T>C, p.Ile608Thr (NM_001243127.3); c.2048T>C, p.Ile683Thr (NM_015197.4); short protein forms I608T, I683T, I698T.
Identifiers: ClinVar variation 1485571 (VCV001485571.8), dbSNP rs2141301781, ClinGen allele CA391185531.